The following is an entry in ClinVar:

ClinVar aggregate classification (germline): Uncertain significance (1 of 4 stars; one submission).

Allele frequency attached by ClinVar (database versions not stated): ExAC 0.00001; gnomAD 0.00001; TOPMed 0.00001.

Submission:

Labcorp Genetics (formerly Invitae), Labcorp
Classification: Uncertain significance. Last evaluated: 2023-03-27. Review status: criteria provided, single submitter. Criteria: Invitae Variant Classification Sherloc (09022015). Collection method: clinical testing. Allele origin: germline.
Comment: In summary, the available evidence is currently insufficient to determine the role of this variant in disease. Therefore, it has been classified as a Variant of Uncertain Significance. This sequence change replaces arginine, which is basic and polar, with histidine, which is basic and polar, at codon 408 of the MAP3K8 protein (p.Arg408His). This variant is present in population databases (rs774423439, gnomAD 0.005%). This variant has not been reported in the literature in individuals affected with MAP3K8-related conditions. ClinVar contains an entry for this variant (Variation ID: 1972942). An algorithm developed to predict the effect of missense changes on protein structure and function (PolyPhen-2) suggests that this variant is likely to be tolerated.

NM_005204.4(MAP3K8):c.1223G>A (p.Arg408His)

Gene: MAP3K8 (mitogen-activated protein kinase kinase kinase 8; plus strand). Cytogenetic location: 10p11.23.
Variant type: single nucleotide variant.
Coding change: c.1223G>A on transcript NM_005204.4 (MANE Select); coding-DNA position 1223, G replaced by A.
Protein change: p.Arg408His; replaces arginine 408 with histidine.
Molecular consequence: missense variant.
Genome position (GRCh38, 1-based): chr10:30,459,451, G>A. VCF-style: chr10-30459451-G-A. GRCh37 (hg19) VCF-style: chr10-30748380-G-A.
Other names: c.1223G>A, p.Arg408His (NM_001244134.1, NM_001320961.2); short protein forms R408H.
Identifiers: ClinVar variation 1972942 (VCV001972942.5), dbSNP rs774423439, ClinGen allele CA5459880.
Genomic context (GRCh38, chr10:30,459,451, plus strand): 5'-TGAACCCGCCCAGAGAGGATCAGCCACGCTGTCAGAGTCTGGACTCTGCCCTCTTGGAGC[G>A]CAAGAGGCTGCTGAGTAGGAAGGAGCTGGAACTTCCTGAGAACATTGCTGGTAGGGACAC-3'
Protein context (NP_005195.2, residues 398-418): CQSLDSALLE[Arg408His]KRLLSRKELE